The following is an entry in ClinVar:

ClinVar aggregate classification (germline): Uncertain significance (1 of 4 stars; one submission).

Conditions:
Hereditary breast ovarian cancer syndrome. Also called: BRCA1- and BRCA2-Associated Hereditary Breast and Ovarian Cancer; Hereditary breast and ovarian cancer syndrome; Hereditary breast and ovarian cancer syndrome (HBOC); Hereditary breast and/or ovarian cancer syndrome; Breast and ovarian cancer; Hereditary breast and ovarian cancer. Identifiers: Orphanet 145, MedGen C0677776, MeSH D061325, MONDO:0003582. Disease mechanism: loss of function.

Allele frequency attached by ClinVar (database versions not stated): gnomAD exomes below 0.00001.
gnomAD v4.1: 1 of 1,613,614 alleles (0.000062%); highest among the groups gnomAD compares: Non-Finnish European, 0.000085%; no homozygotes.

Submission:

Labcorp Genetics (formerly Invitae), Labcorp
Classification: Uncertain significance for Hereditary breast ovarian cancer syndrome. Last evaluated: 2018-10-30. Review status: criteria provided, single submitter. Criteria: Invitae Variant Classification Sherloc (09022015). Collection method: clinical testing. Allele origin: germline.
Comment: In summary, the available evidence is currently insufficient to determine the role of this variant in disease. Therefore, it has been classified as a Variant of Uncertain Significance. Algorithms developed to predict the effect of missense changes on protein structure and function (SIFT, PolyPhen-2, Align-GVGD) all suggest that this variant is likely to be tolerated, but these predictions have not been confirmed by published functional studies and their clinical significance is uncertain. This variant has not been reported in the literature in individuals with BRCA2-related disease. This variant is not present in population databases (ExAC no frequency). This sequence change replaces isoleucine with threonine at codon 3025 of the BRCA2 protein (p.Ile3025Thr). The isoleucine residue is weakly conserved and there is a moderate physicochemical difference between isoleucine and threonine.

NM_000059.4(BRCA2):c.9074T>C (p.Ile3025Thr)

Gene: BRCA2 (BRCA2 DNA repair associated; plus strand). Cytogenetic location: 13q13.1.
Variant type: single nucleotide variant.
Coding change: c.9074T>C on transcript NM_000059.4 (MANE Select); coding-DNA position 9074, T replaced by C.
Protein change: p.Ile3025Thr; replaces isoleucine 3025 with threonine.
Molecular consequence: missense variant.
Genome position (GRCh38, 1-based): chr13:32,379,870, T>C. VCF-style: chr13-32379870-T-C. GRCh37 (hg19) VCF-style: chr13-32954007-T-C.
Other names: short protein forms I3025T.
Identifiers: ClinVar variation 659260 (VCV000659260.9), dbSNP rs1593937597, ClinGen allele CA387757592.